The following is an entry in ClinVar:

NM_001278512.2(AP3B2):c.3074G>A (p.Arg1025Gln)

Genes: AP3B2 (adaptor related protein complex 3 subunit beta 2; minus strand), CPEB1-AS1 (CPEB1 antisense RNA 1; plus strand). Cytogenetic location: 15q25.2.
Variant type: single nucleotide variant.
Coding change: c.3074G>A on transcript NM_001278512.2 (MANE Select); coding-DNA position 3074, G replaced by A.
Protein change: p.Arg1025Gln; replaces arginine 1025 with glutamine.
Molecular consequence: missense variant.
Genome position (GRCh38, 1-based): chr15:82,659,926, C>T on the plus strand (G>A on the coding strand, the complement: AP3B2 is on the minus strand). VCF-style: chr15-82659926-C-T. GRCh37 (hg19) VCF-style: chr15-83328678-C-T.
Other names: c.2921G>A, p.Arg974Gln (NM_001278511.2); c.206G>A, p.Arg69Gln (NM_001348441.2); c.3017G>A, p.Arg1006Gln (NM_004644.5); short protein forms R1006Q, R1025Q, R69Q, R974Q.
Identifiers: ClinVar variation 1401277 (VCV001401277.4), dbSNP rs200505090, ClinGen allele CA7699704.

ClinVar aggregate classification (germline): Uncertain significance (1 of 4 stars; one submission).

Allele frequency attached by ClinVar (database versions not stated): ExAC 0.00003; gnomAD 0.00003; TOPMed 0.00007; ESP Exome Variant Server 0.00008.
gnomAD v4.1: 57 of 1,613,828 alleles (0.0035%); highest among the groups gnomAD compares: Admixed American, 0.012%; no homozygotes.

Submission:

Labcorp Genetics (formerly Invitae), Labcorp
Classification: Uncertain significance. Last evaluated: 2022-10-18. Review status: criteria provided, single submitter. Criteria: Invitae Variant Classification Sherloc (09022015). Collection method: clinical testing. Allele origin: germline.
Comment: This sequence change replaces arginine, which is basic and polar, with glutamine, which is neutral and polar, at codon 1006 of the AP3B2 protein (p.Arg1006Gln). This variant is present in population databases (rs200505090, gnomAD 0.01%). This variant has not been reported in the literature in individuals affected with AP3B2-related conditions. ClinVar contains an entry for this variant (Variation ID: 1401277). Algorithms developed to predict the effect of missense changes on protein structure and function output the following: SIFT: "Tolerated"; PolyPhen-2: "Benign"; Align-GVGD: "Class C0". The glutamine amino acid residue is found in multiple mammalian species, which suggests that this missense change does not adversely affect protein function. In summary, the available evidence is currently insufficient to determine the role of this variant in disease. Therefore, it has been classified as a Variant of Uncertain Significance.